The following is an entry in ClinVar:

NM_016169.4(SUFU):c.1171C>T (p.His391Tyr)

Gene: SUFU (SUFU negative regulator of hedgehog signaling; plus strand). Cytogenetic location: 10q24.32.
Variant type: single nucleotide variant.
Coding change: c.1171C>T on transcript NM_016169.4 (MANE Select); coding-DNA position 1171, C replaced by T.
Protein change: p.His391Tyr; replaces histidine 391 with tyrosine.
Molecular consequence: missense variant.
Genome position (GRCh38, 1-based): chr10:102,617,303, C>T. VCF-style: chr10-102617303-C-T. GRCh37 (hg19) VCF-style: chr10-104377060-C-T.
Other names: c.1171C>T, p.His391Tyr (NM_001178133.2); short protein forms H391Y.
Identifiers: ClinVar variation 2021229 (VCV002021229.7), dbSNP rs1234263304, ClinGen allele CA377915058.
Genomic context (GRCh38, chr10:102,617,303, plus strand): 5'-CTGTTTCCAAGCCCAGCTCCTCACTGTCTCCATGTTCCCATCTCCAGGGGCAGGCTCCTG[C>T]ATGGACGGCACTTTACATATAAAAGTATCACAGGTGACATGGCCATCACGTTTGTCTCCA-3'
Protein context (NP_057253.2, residues 381-401): IPLCLRGRLL[His391Tyr]GRHFTYKSIT

ClinVar aggregate classification (germline): Uncertain significance. Review status: criteria provided, multiple submitters, no conflicts (2 of 4 stars). 2 submissions from 2 submitters: Uncertain significance (2). Last evaluated 2025-06-07.

Conditions:
Hereditary cancer-predisposing syndrome. Also called: Neoplastic Syndromes, Hereditary; Hereditary Cancer Syndrome; Tumor predisposition; Hereditary neoplastic syndrome. Identifiers: Orphanet 140162, MedGen C0027672, MeSH D009386, MONDO:0015356.
Gorlin syndrome. Also called: Nevoid Basal Cell Carcinoma Syndrome; Basal cell nevus syndrome. Identifiers: Orphanet 377, MedGen C0004779, MONDO:0007187.
Medulloblastoma (MDB). Also called: Medulloblastoma, somatic; MEDULLOBLASTOMA PREDISPOSITION SYNDROME. Identifiers: Orphanet 616, MedGen C0025149, MeSH D008527, MONDO:0007959, OMIM 155255, HP:0002885.

Allele frequency attached by ClinVar (database versions not stated): gnomAD 0.00001; TOPMed 0.00001.

Submissions (2):

Ambry Genetics
Classification: Uncertain significance for Hereditary cancer-predisposing syndrome. Last evaluated: 2025-06-07. Review status: criteria provided, single submitter. Criteria: Ambry Variant Classification Scheme 2023. Collection method: clinical testing. Allele origin: germline.
Comment: The p.H391Y variant (also known as c.1171C>T), located in coding exon 10 of the SUFU gene, results from a C to T substitution at nucleotide position 1171. The histidine at codon 391 is replaced by tyrosine, an amino acid with similar properties. This amino acid position is conserved. In addition, this alteration is predicted to be deleterious by in silico analysis. Since supporting evidence is limited at this time, the clinical significance of this alteration remains unclear.

Labcorp Genetics (formerly Invitae), Labcorp
Classification: Uncertain significance for Gorlin syndrome; Medulloblastoma. Last evaluated: 2022-09-09. Review status: criteria provided, single submitter. Criteria: Invitae Variant Classification Sherloc (09022015). Collection method: clinical testing. Allele origin: germline.
Comment: In summary, the available evidence is currently insufficient to determine the role of this variant in disease. Therefore, it has been classified as a Variant of Uncertain Significance. Advanced modeling of protein sequence and biophysical properties (such as structural, functional, and spatial information, amino acid conservation, physicochemical variation, residue mobility, and thermodynamic stability) performed at Invitae indicates that this missense variant is expected to disrupt SUFU protein function. This variant has not been reported in the literature in individuals affected with SUFU-related conditions. This variant is not present in population databases (gnomAD no frequency). This sequence change replaces histidine, which is basic and polar, with tyrosine, which is neutral and polar, at codon 391 of the SUFU protein (p.His391Tyr).